The following is an entry in ClinVar:

ClinVar aggregate classification (germline): Uncertain significance (1 of 4 stars; one submission).

Conditions:
Early Myoclonic Encephalopathy. Identifiers: MedGen C0270855.

Submission:

Labcorp Genetics (formerly Invitae), Labcorp
Classification: Uncertain significance for Early Myoclonic Encephalopathy. Last evaluated: 2025-09-03. Review status: criteria provided, single submitter. Criteria: Invitae Variant Classification Sherloc (09022015). Collection method: clinical testing. Allele origin: germline.
Comment: This sequence change replaces histidine, which is basic and polar, with tyrosine, which is neutral and polar, at codon 534 of the KCND2 protein (p.His534Tyr). This variant is not present in population databases (gnomAD no frequency). This variant has not been reported in the literature in individuals affected with KCND2-related conditions. Invitae Evidence Modeling of protein sequence and biophysical properties (such as structural, functional, and spatial information, amino acid conservation, physicochemical variation, residue mobility, and thermodynamic stability) indicates that this missense variant is not expected to disrupt KCND2 protein function with a negative predictive value of 95%. In summary, the available evidence is currently insufficient to determine the role of this variant in disease. Therefore, it has been classified as a Variant of Uncertain Significance.

NM_012281.3(KCND2):c.1600C>T (p.His534Tyr)

Gene: KCND2 (potassium voltage-gated channel subfamily D member 2; plus strand). Cytogenetic location: 7q31.31.
Variant type: single nucleotide variant.
Coding change: c.1600C>T on transcript NM_012281.3 (MANE Select); coding-DNA position 1600, C replaced by T.
Protein change: p.His534Tyr; replaces histidine 534 with tyrosine.
Molecular consequence: missense variant.
Genome position (GRCh38, 1-based): chr7:120,745,912, C>T. VCF-style: chr7-120745912-C-T. GRCh37 (hg19) VCF-style: chr7-120385966-C-T.
Other names: short protein forms H534Y.
Identifiers: ClinVar variation 4709925 (VCV004709925.1).